The following is an entry in ClinVar:

NM_001267550.2(TTN):c.70640G>C (p.Ser23547Thr)

Genes: TTN (titin; minus strand), TTN-AS1 (TTN antisense RNA 1; plus strand), LOC126806422 (BRD4-independent group 4 enhancer GRCh37_chr2:179440205-179441404; plus strand). Cytogenetic location: 2q31.2.
Variant type: single nucleotide variant.
Coding change: c.70640G>C on transcript NM_001267550.2 (MANE Select); coding-DNA position 70640, G replaced by C.
Protein change: p.Ser23547Thr; replaces serine 23547 with threonine.
Molecular consequence: missense variant.
Genome position (GRCh38, 1-based): chr2:178,575,492, C>G on the plus strand (G>C on the coding strand, the complement: TTN is on the minus strand). VCF-style: chr2-178575492-C-G. GRCh37 (hg19) VCF-style: chr2-179440219-C-G.
Other names: c.65717G>C, p.Ser21906Thr (NM_001256850.1); c.43445G>C, p.Ser14482Thr (NM_003319.4); c.62936G>C, p.Ser20979Thr (NM_133378.4); c.43820G>C, p.Ser14607Thr (NM_133432.3); c.44021G>C, p.Ser14674Thr (NM_133437.4); c.70640G>C (NM_001267550.1); short protein forms S21906T, S23547T, S14482T, S14607T, S14674T, S20979T.
Identifiers: ClinVar variation 515413 (VCV000515413.25), dbSNP rs1553613338, ClinGen allele CA349662125.

ClinVar aggregate classification (germline): Uncertain significance. Review status: criteria provided, multiple submitters, no conflicts (2 of 4 stars). 2 submissions from 2 submitters: Uncertain significance (2). Last evaluated 2023-03-20.

Allele frequency attached by ClinVar (database versions not stated): gnomAD exomes below 0.00001; TOPMed below 0.00001.
gnomAD v4.1: 1 of 1,613,650 alleles (0.000062%); highest among the groups gnomAD compares: Middle Eastern, 0.017%; no homozygotes.

Submissions (2):

GeneDx
Classification: Uncertain significance. Last evaluated: 2023-03-20. Review status: criteria provided, single submitter. Criteria: GeneDx Variant Classification Process June 2021. Collection method: clinical testing. Allele origin: germline. Affected: yes.
Comment: Not observed at significant frequency in large population cohorts (gnomAD); Missense variant in a gene in which most reported pathogenic variants are truncating/loss of function; Has not been previously published as pathogenic or benign to our knowledge; Located in the A-band region of TTN in which the majority of loss of function variants have been associated with autosomal dominant titinopathies (Herman et al., 2012)

CeGaT Center for Human Genetics Tuebingen
Classification: Uncertain significance. Last evaluated: 2022-08-01. Review status: criteria provided, single submitter. Criteria: CeGaT Center For Human Genetics Tuebingen Variant Classification Criteria Version 2. Collection method: clinical testing. Allele origin: germline. Affected: yes. Observed: 1 variant allele.
Comment: TTN: PM2, BP4